The following is an entry in ClinVar:

NM_000152.5(GAA):c.525del (p.Glu176fs)

Gene: GAA (alpha glucosidase; plus strand). Cytogenetic location: 17q25.3.
Variant type: Deletion.
Coding change: c.525del on transcript NM_000152.5 (MANE Select); coding-DNA position 525, one base deleted (T; older notation c.525delT).
Protein change: p.Glu176fs; shifts the reading frame from glutamic acid 176.
Molecular consequence: frameshift variant.
Genome position (GRCh38, 1-based): chr17:80,105,111, T deleted. VCF-style (leftmost placement, unchanged base first): chr17-80105110-CT-C. GRCh37 (hg19) VCF-style: chr17-78078909-CT-C.
Other names: p.Glu176Argfs*45; c.525del, p.Glu176fs (NM_001079803.3, NM_001079804.3); c.525del (NM_001079803.2); c.525delT (NM_000152.5, NM_000152.4); short protein forms E176fs.
Identifiers: ClinVar variation 4033 (VCV000004033.104), dbSNP rs386834235, ClinGen allele CA220406.

ClinVar aggregate classification (germline): Pathogenic. Review status: reviewed by expert panel (3 of 4 stars). 29 submissions from 28 submitters: Pathogenic (1). 28 of the submissions do not count toward it. Last evaluated 2020-11-02.

Conditions:
Glycogen storage disease due to acid maltase deficiency, late-onset (LOPD). Also called: GAA DEFICIENCY, LATE-ONSET; ACID MALTASE DEFICIENCY, LATE-ONSET; AMD, LATE-ONSET; POMPE DISEASE, LATE-ONSET; GLYCOGEN STORAGE DISEASE II, LATE-ONSET; ACID ALPHA-GLUCOSIDASE DEFICIENCY, LATE-ONSET. Identifiers: Orphanet 420429, MedGen C0342753, MONDO:0018485, OMIM 621314.
GAA-related disorders.
GAA-related disorder. Also called: GAA-related condition.
Cardiovascular phenotype. Identifiers: MedGen CN230736.
Glycogen storage disease. Also called: glycogen storage disorder; Disorder of glycogen metabolism. Identifiers: Orphanet 79201, MedGen C0017919, MONDO:0002412.
Glycogen storage disease, type II (IOPD). Also called: Glucosidase acid-1,4-alpha deficiency; CARDIOMEGALIA GLYCOGENICA DIFFUSA; Glycogen storage disease type 2; Acid maltase deficiency disease; Aglucosidase alfa; Deficiency of alpha-glucosidase. Identifiers: Orphanet 365, MedGen C0017921, MONDO:0009290, OMIM 232300.

Allele frequency attached by ClinVar (database versions not stated): ExAC 0.00007; gnomAD exomes 0.00010 and 0.00018; TOPMed 0.00012; ESP Exome Variant Server 0.00016; gnomAD 0.00018 and 0.00019.

Submissions 1 to 11 of 29:

ClinGen Lysosomal Storage Disorder Variant Curation Expert Panel
Classification: Pathogenic for Glycogen storage disease, type II. Last evaluated: 2020-11-02. Review status: reviewed by expert panel. Criteria: ClinGen LSD ACMG Specifications v1. Collection method: curation. Allele origin: germline. Inheritance: Autosomal recessive inheritance.
Comment: This variant, c.525delT (p.Glu176ArgfsTer45), is one of the most common variants reported in individuals with Pompe disease; over 70 patients are listed in the Erasmus database. It is a frameshift variant that is predicted to result in a premature termination codon, nonsense mediated decay, and lack of gene product, meeting PVS1. This is supported by the finding of c.525delT in individuals with no GAA cross-reactive immunological material in cultured skin fibroblasts i.e. CRIM-negative (PMID 22252923, 31342611), no detectable increase in GAA activity or GAA protein when cDNA with the variant was expressed in COS cells (PMID 7881422), and low expression of all GAA exons based on qRT-PCR data from a homozygous patient (PMID 25243733). The highest population minor allele frequency in gnomAD v2.1.1 is 0.000188 in the European non-Finnish population, meeting PM2. Thirty patients meeting the ClinGen LSD VCEP's specifications for PP4 are listed here (PMIDs 8558570, 24590251, 25243733, 26497565, 27142047, 29422078) and include patients who are homozygous for the variant, or compound heterozygous for the variant and either c.-32-13T>G, c.2481+110_2646+39del (exon 18 deletion), c.1802C>A (p.Ser601Ter), c.2608C>T (p.Arg870Ter), c.1548G>A (p.Trp516Ter), c.2237G>A (p.Trp746Ter), and c.670C>T (p.Arg224Trp). The maximum strength for PM3 (PM3_VeryStrong) was applied. There is a ClinVar entry for this variant (Variation ID: 4033, 2 star review status) with 8 laboratory submitters classifying the variant as pathogenic. In summary, this variant meets the criteria to be classified as pathogenic for Pompe disease. GAA-specific ACMG/AMP criteria applied, as specified by the ClinGen LSD VCEP: PVS1, PM2, PM3_Very Strong, PP4.

Genomenon, Inc
Classification: Pathogenic for Glycogen storage disease, type II. Last evaluated: 2026-07-01. Review status: criteria provided, single submitter. Criteria: Genomenon Sequence Variant Interpretation Standards - Updated. Collection method: curation. Allele origin: germline. Affected: yes. Not counted in ClinVar's aggregate classification.
Comment: GAA p.Glu176ArgfsTer45 (c.525del) is a frameshift variant that is predicted to introduce a premature termination codon and result in a truncated or absent protein product. This variant has been observed in at least one proband with a GAA-related disorder in the compound heterozygous and/or homozygous state (PMID:40660301;39273088;38584574;38313679;38250073;38043017;37841659;37765007;37342670;37087815). At least one functional study has demonstrated a substantial alteration in protein function relative to the wild-type (PMID:36246652;7881422). It is absent or not present at a significant frequency in gnomAD. In conclusion, we classify GAA p.Glu176ArgfsTer45 (c.525del) as a pathogenic variant.

PreventionGenetics, part of Exact Sciences
Classification: Pathogenic for GAA-related condition. Last evaluated: 2026-02-15. Review status: criteria provided, single submitter. Criteria: ACMG Guidelines, 2015. Collection method: clinical testing. Allele origin: germline. Not counted in ClinVar's aggregate classification.
Comment: The GAA c.525delT variant is predicted to result in a frameshift and premature protein termination (p.Glu176Argfs*45). This variant has been reported in the compound heterozygous state in individuals with glycogen storage disease type II (GSD II) (see, for example, Wens et al. 2012. PubMed ID: 23000108; Remiche et al. 2014. PubMed ID: 24158270; Parini et al. 2018. PubMed ID: 29422078). This variant is reported in 0.019% of alleles in individuals of European (Non-Finnish) descent in gnomAD. Frameshift variants in GAA are expected to be pathogenic. This variant is interpreted as pathogenic.

Ambry Genetics
Classification: Pathogenic for Cardiovascular phenotype. Last evaluated: 2026-02-06. Review status: criteria provided, single submitter. Criteria: Ambry Variant Classification Scheme 2023. Collection method: clinical testing. Allele origin: germline. Not counted in ClinVar's aggregate classification.
Comment: The c.525delT pathogenic mutation, located in coding exon 1 of the GAA gene, results from a deletion of one nucleotide at nucleotide position 525, causing a translational frameshift with a predicted alternate stop codon (p.E176Rfs*45). This variant is reported as a common glycogen storage disease II (Pompe disease) mutation (Reuser AJJ et al. Hum Mutat, 2019 Nov;40:2146-2164). This variant is considered to be rare based on population cohorts in the Genome Aggregation Database (gnomAD). This alteration is expected to result in loss of function by premature protein truncation or nonsense-mediated mRNA decay. As such, this alteration is interpreted as a disease-causing mutation.

Labcorp Genetics (formerly Invitae), Labcorp
Classification: Pathogenic for Glycogen storage disease, type II. Last evaluated: 2026-01-12. Review status: criteria provided, single submitter. Criteria: Invitae Variant Classification Sherloc (09022015). Collection method: clinical testing. Allele origin: germline. Not counted in ClinVar's aggregate classification.
Comment: This sequence change creates a premature translational stop signal (p.Glu176Argfs*45) in the GAA gene. It is expected to result in an absent or disrupted protein product. Loss-of-function variants in GAA are known to be pathogenic (PMID: 18425781, 22252923). This variant is present in population databases (rs386834235, gnomAD 0.02%). This premature translational stop signal has been observed in individual(s) with Pompe disease (PMID: 8558570, 14695532, 18429042, 21439876, 22676651, 24158270, 25243733). It is commonly reported in individuals of Dutch ancestry (PMID: 8558570, 14695532, 18429042, 21439876, 22676651, 24158270, 25243733). ClinVar contains an entry for this variant (Variation ID: 4033). For these reasons, this variant has been classified as Pathogenic.

Genetics Laboratory, Great Ormond Street Hospital NHS Foundation Trust, North Thames Genomic Laboratory Hub
Classification: Pathogenic for Glycogen storage disease. Last evaluated: 2026-01-06. Review status: criteria provided, single submitter. Criteria: ACGS Best Practice Guidelines for Variant Classification in Rare Disease 2024 v1.2. Collection method: clinical testing. Allele origin: germline. Affected: yes. Not counted in ClinVar's aggregate classification.
Comment: PM2_moderate, PVS1_very-strong, PM3_very-strong, PP4_strong

CeGaT Center for Human Genetics Tuebingen
Classification: Pathogenic. Last evaluated: 2025-12-01. Review status: criteria provided, single submitter. Criteria: CeGaT Center For Human Genetics Tuebingen Variant Classification Criteria Version 2. Collection method: clinical testing. Allele origin: germline. Affected: yes. Observed: 3 variant alleles. Not counted in ClinVar's aggregate classification.
Comment: GAA: PM3:Very Strong, PVS1, PM2

Natera, Inc.
Classification: Pathogenic for Glycogen storage disease type II. Last evaluated: 2025-07-20. Review status: criteria provided, single submitter. Criteria: Natera Variant Classification Schema (03/2026). Collection method: clinical testing. Allele origin: germline. Not counted in ClinVar's aggregate classification.
Comment: The c.525delT variant in GAA is a frameshift variant predicted to shift the reading frame beginning at codon 176 and leads to a stop codon 45 codons downstream. This variant is expected to result in nonsense mediated decay, truncation, or a dysfunctional protein product. This variant is rare in the general population with a frequency below the threshold expected for the associated phenotype(s). This variant has been observed in one or more individuals affected with the associated recessive disease, as either homozygous or compound heterozygous with a second variant (PMID: 28763149, 15121988). Given the available evidence, this variant is classified as Pathogenic.

Institute of Human Genetics, University of Leipzig Medical Center
Classification: Pathogenic for Glycogen storage disease, type II. Last evaluated: 2025-05-21. Review status: criteria provided, single submitter. Criteria: ACMG Guidelines, 2015. Collection method: clinical testing. Allele origin: unknown. Inheritance: Autosomal recessive inheritance. Affected: yes. Not counted in ClinVar's aggregate classification.
Comment: Criteria applied: PVS1,PM3_VSTR,PM2_SUP,PP4

Revvity Omics, Revvity
Classification: Pathogenic. Last evaluated: 2024-12-18. Review status: criteria provided, single submitter. Criteria: ACMG Guidelines, 2015. Collection method: clinical testing. Allele origin: germline. Not counted in ClinVar's aggregate classification.

Blueprint Genetics
Classification: Pathogenic for GAA-related disorders. Last evaluated: 2024-10-03. Review status: criteria provided, single submitter. Criteria: ACMG Guidelines, 2015. Collection method: clinical testing. Allele origin: germline. Affected: yes. Observed: 5 variant alleles. Not counted in ClinVar's aggregate classification.